The following is an entry in ClinVar:

NM_000260.4(MYO7A):c.6079_6081del (p.His2027del)

Gene: MYO7A (myosin VIIA; plus strand). Cytogenetic location: 11q13.5.
Variant type: Deletion.
Coding change: c.6079_6081del on transcript NM_000260.4 (MANE Select); coding-DNA positions 6079 to 6081, 3 bases deleted (CAC; older notation c.6079_6081delCAC).
Protein change: p.His2027del; deletes histidine 2027.
Molecular consequence: inframe deletion.
Genome position (GRCh38, 1-based): chr11:77,211,179-77,211,181, CAC deleted; deleting any 3 consecutive bases within chr11:77,211,177-77,211,181 gives the same sequence; the c. name uses the placement nearest the transcript's 3' end. VCF-style (leftmost placement, unchanged base first): chr11-77211176-TACC-T. GRCh37 (hg19) VCF-style: chr11-76922221-TACC-T.
Other names: c.6079_6081delCAC (NM_000260.3); c.5965_5967del, p.His1989del (NM_001127180.2); c.5932_5934del, p.His1978del (NM_001369365.1); short protein forms H1978del, H2027del, H1989del.
Identifiers: ClinVar variation 1406933 (VCV001406933.11), dbSNP rs1957839812, ClinGen allele CA1984129835.
Genomic context (GRCh38, chr11:77,211,176, plus strand): 5'-TCCCTGCACGCCTGTGACCTGCTCTGTCTCTGACAGGAGTTGCCCAAGTATCTCCGAGGC[TACC>T]ACAAGTGCACGCGGGAGGAGGTGCTGCAGCTGGGGGCGCTGATCTACAGGGTCAAGTTCG-3'

ClinVar aggregate classification (germline): Conflicting classifications of pathogenicity. Review status: criteria provided, conflicting classifications (1 of 4 stars). 4 submissions from 4 submitters: Likely pathogenic (2); Uncertain significance (2). Last evaluated 2025-08-05.

Conditions:
Usher syndrome type 1B (USH1B). Also called: Usher syndrome type IB. Identifiers: MedGen C1848638, MONDO:0700087.
Autosomal dominant nonsyndromic hearing loss 11. Identifiers: Orphanet 90635, MedGen C1832475, MONDO:0011032, OMIM 601317.
Usher syndrome type 1 (USH1). Also called: RETINITIS PIGMENTOSA AND CONGENITAL DEAFNESS. Identifiers: Orphanet 231169, Orphanet 886, MedGen C1568247, MONDO:0010168, OMIM 276900.
Autosomal recessive nonsyndromic hearing loss 2. Also called: DEAFNESS, AUTOSOMAL RECESSIVE 2; NEUROSENSORY NONSYNDROMIC RECESSIVE DEAFNESS 2. Identifiers: Orphanet 90636, MedGen C1838701, MONDO:0010807, OMIM 600060.

Submissions (4):

Myriad Genetics, Inc.
Classification: Uncertain significance for Usher syndrome type 1. Last evaluated: 2025-08-05. Review status: criteria provided, single submitter. Criteria: Myriad Autosomal Dominant, Autosomal Recessive and X-Linked Classification Criteria (2023). Collection method: clinical testing. Allele origin: unknown.
Comment: NM_000260.3(MYO7A):c.6079_6081delCAC(H2027del) is an in-frame deletion classified as a variant of uncertain significance in the context of MYO7A-related disorders. H2027del has been observed in a case with relevant disease (PMID: 26864046). Relevant functional assessments of this variant are not available in the literature. H2027del has not been observed in referenced population frequency databases. In summary, there is insufficient evidence to classify NM_000260.3(MYO7A):c.6079_6081delCAC(H2027del) as pathogenic or benign. Please note: this variant was assessed in the context of healthy population screening.

Natera, Inc.
Classification: Likely pathogenic for Usher syndrome type 1B. Last evaluated: 2025-03-03. Review status: criteria provided, single submitter. Criteria: Natera Variant Classification Schema (03/2026). Collection method: clinical testing. Allele origin: germline.
Comment: The c.6079_6081delCAC variant in MYO7A is an in-frame deletion predicted to remove histidine at amino acid 2027 while preserving the reading frame. This variant is rare in the general population with a frequency below the threshold expected for the associated phenotype(s). This variant has been observed in one or more individuals affected with the associated recessive disease, as either homozygous or compound heterozygous with a second variant (PMID: 26864046). Additionally, this variant has been observed to segregate in affected family members (PMID: 26864046). This variant results in a change to the protein length while preserving reading frame, which may disrupt normal protein structure or function. Computational prediction algorithms indicate this variant is likely to affect gene or protein function. Given the available evidence, this variant is classified as Likely Pathogenic.

Fulgent Genetics
Classification: Likely pathogenic for Usher syndrome type 1; Autosomal recessive nonsyndromic hearing loss 2; Autosomal dominant nonsyndromic hearing loss 11. Last evaluated: 2024-05-04. Review status: criteria provided, single submitter. Criteria: ACMG Guidelines, 2015. Collection method: clinical testing. Allele origin: germline.

Labcorp Genetics (formerly Invitae), Labcorp
Classification: Uncertain significance. Last evaluated: 2023-12-25. Review status: criteria provided, single submitter. Criteria: Invitae Variant Classification Sherloc (09022015). Collection method: clinical testing. Allele origin: germline.
Comment: This variant, c.6079_6081del, results in the deletion of 1 amino acid(s) of the MYO7A protein (p.His2027del), but otherwise preserves the integrity of the reading frame. This variant is not present in population databases (gnomAD no frequency). This variant has been observed in individual(s) with Usher syndrome (PMID: 26864046). It has also been observed to segregate with disease in related individuals. ClinVar contains an entry for this variant (Variation ID: 1406933). Experimental studies and prediction algorithms are not available or were not evaluated, and the functional significance of this variant is currently unknown. In summary, the available evidence is currently insufficient to determine the role of this variant in disease. Therefore, it has been classified as a Variant of Uncertain Significance.

Literature cited by the submitters: PubMed 26864046 (cited by 3 submitters).